The following is an entry in ClinVar:

ClinVar aggregate classification (germline): Pathogenic (1 of 4 stars; one submission).

Submission:

GeneDx
Classification: Pathogenic. Last evaluated: 2024-08-21. Review status: criteria provided, single submitter. Criteria: GeneDx Variant Classification Process June 2021. Collection method: clinical testing. Allele origin: germline. Affected: yes.
Comment: Canonical splice site variant predicted to result in a null allele in a gene for which loss of function is a known mechanism of disease; Not observed at significant frequency in large population cohorts (gnomAD); This variant is associated with the following publications: (PMID: 16879200)

NM_004586.3(RPS6KA3):c.999+1G>A

Gene: RPS6KA3 (ribosomal protein S6 kinase A3; minus strand). Cytogenetic location: Xp22.12.
Variant type: single nucleotide variant.
Coding change: c.999+1G>A on transcript NM_004586.3 (MANE Select); the canonical splice donor site of the intron after coding-DNA position 999, G replaced by A.
Molecular consequence: splice donor variant.
Genome position (GRCh38, 1-based): chrX:20,176,433, C>T on the plus strand (G>A on the coding strand, the complement: RPS6KA3 is on the minus strand). VCF-style: chrX-20176433-C-T. GRCh37 (hg19) VCF-style: chrX-20194551-C-T.
Identifiers: ClinVar variation 3764197 (VCV003764197.1).
Genomic context (GRCh38, chrX:20,176,433, plus strand): 5'-AGACTTAGACATATTTTAATTATAAAGAAATATTTCAAGCAAGTTTTCATTCTATACTTA[C>T]ATTCCAGTCTATCGTTGAGAAAAATGAATGTCTTTTAATTTCTTCAACTCCATCTGGTCC-3'